The following is an entry in ClinVar:

ClinVar aggregate classification (germline): Uncertain significance (1 of 4 stars; one submission).

Conditions:
Progressive familial heart block type IB (PFHB1B). Identifiers: Orphanet 871, MedGen C1970298, MONDO:0011474, OMIM 604559.

Submission:

Labcorp Genetics (formerly Invitae), Labcorp
Classification: Uncertain significance for Progressive familial heart block type IB. Last evaluated: 2021-10-28. Review status: criteria provided, single submitter. Criteria: Invitae Variant Classification Sherloc (09022015). Collection method: clinical testing. Allele origin: germline.
Comment: In summary, the available evidence is currently insufficient to determine the role of this variant in disease. Therefore, it has been classified as a Variant of Uncertain Significance. Algorithms developed to predict the effect of missense changes on protein structure and function (SIFT, PolyPhen-2, Align-GVGD) all suggest that this variant is likely to be tolerated. This variant has not been reported in the literature in individuals affected with TRPM4-related conditions. This variant is not present in population databases (gnomAD no frequency). This sequence change replaces leucine, which is neutral and non-polar, with proline, which is neutral and non-polar, at codon 648 of the TRPM4 protein (p.Leu648Pro).

NM_017636.4(TRPM4):c.1943T>C (p.Leu648Pro)

Gene: TRPM4 (transient receptor potential cation channel subfamily M member 4; plus strand). Cytogenetic location: 19q13.33.
Variant type: single nucleotide variant.
Coding change: c.1943T>C on transcript NM_017636.4 (MANE Select); coding-DNA position 1943, T replaced by C.
Protein change: p.Leu648Pro; replaces leucine 648 with proline.
Molecular consequence: missense variant.
Genome position (GRCh38, 1-based): chr19:49,189,015, T>C. VCF-style: chr19-49189015-T-C. GRCh37 (hg19) VCF-style: chr19-49692272-T-C.
Other names: c.1943T>C, p.Leu648Pro (NM_001195227.2); c.1598T>C, p.Leu533Pro (NM_001321281.2); c.335T>C, p.Leu112Pro (NM_001321282.2); c.1421T>C, p.Leu474Pro (NM_001321283.2); c.881T>C, p.Leu294Pro (NM_001321285.2); short protein forms L474P, L112P, L294P, L533P, L648P.
Identifiers: ClinVar variation 1389842 (VCV001389842.6), dbSNP rs2122986053, ClinGen allele CA406803882.